The following is an entry in ClinVar:

NM_000395.3(CSF2RB):c.1880A>G (p.Glu627Gly)

Gene: CSF2RB (colony stimulating factor 2 receptor subunit beta; plus strand). Cytogenetic location: 22q12.3.
Variant type: single nucleotide variant.
Coding change: c.1880A>G on transcript NM_000395.3 (MANE Select); coding-DNA position 1880, A replaced by G.
Protein change: p.Glu627Gly; replaces glutamic acid 627 with glycine.
Molecular consequence: missense variant.
Genome position (GRCh38, 1-based): chr22:36,937,688, A>G. VCF-style: chr22-36937688-A-G. GRCh37 (hg19) VCF-style: chr22-37333730-A-G.
Other names: c.1898A>G, p.Glu633Gly (NM_001410827.1); short protein forms E627G, E633G.
Identifiers: ClinVar variation 1720600 (VCV001720600.5), dbSNP rs2518008932, ClinGen allele CA411410377.

ClinVar aggregate classification (germline): Uncertain significance (1 of 4 stars; one submission).

Allele frequency attached by ClinVar (database versions not stated): gnomAD exomes below 0.00001.
gnomAD v4.1: 2 of 1,554,658 alleles (0.00013%); highest among the groups gnomAD compares: South Asian, 0.0012%; no homozygotes.

Submission:

Labcorp Genetics (formerly Invitae), Labcorp
Classification: Uncertain significance. Last evaluated: 2022-09-01. Review status: criteria provided, single submitter. Criteria: Invitae Variant Classification Sherloc (09022015). Collection method: clinical testing. Allele origin: germline.
Comment: Algorithms developed to predict the effect of missense changes on protein structure and function are either unavailable or do not agree on the potential impact of this missense change (SIFT: "Deleterious"; PolyPhen-2: "Probably Damaging"; Align-GVGD: "Class C0"). In summary, the available evidence is currently insufficient to determine the role of this variant in disease. Therefore, it has been classified as a Variant of Uncertain Significance. This variant has not been reported in the literature in individuals affected with CSF2RB-related conditions. This sequence change replaces glutamic acid, which is acidic and polar, with glycine, which is neutral and non-polar, at codon 627 of the CSF2RB protein (p.Glu627Gly). This variant is not present in population databases (gnomAD no frequency).